The following is an entry in ClinVar:

NM_023067.4(FOXL2):c.33G>T (p.Ala11=)

Gene: FOXL2 (forkhead box L2; minus strand). Cytogenetic location: 3q22.3.
Variant type: single nucleotide variant.
Coding change: c.33G>T on transcript NM_023067.4 (MANE Select); coding-DNA position 33, G replaced by T.
Protein change: p.Ala11=; no amino-acid change (alanine 11 retained).
Molecular consequence: synonymous variant.
Genome position (GRCh38, 1-based): chr3:138,946,690, C>A on the plus strand (G>T on the coding strand, the complement: FOXL2 is on the minus strand). VCF-style: chr3-138946690-C-A. GRCh37 (hg19) VCF-style: chr3-138665532-C-A.
Identifiers: ClinVar variation 3053227 (VCV003053227.2), dbSNP rs2107745135, ClinGen allele CA436094593.

ClinVar aggregate classification (germline): Likely benign (0 of 4 stars; one submission).

Conditions:
FOXL2-related disorder. Also called: FOXL2-related condition.

Allele frequency attached by ClinVar (database versions not stated): gnomAD exomes below 0.00001.
gnomAD v4.1: 2 of 1,584,928 alleles (0.00013%); highest among the groups gnomAD compares: Non-Finnish European, 0.00017%; no homozygotes.

Submission:

PreventionGenetics, part of Exact Sciences
Classification: Likely benign for FOXL2-related condition. Last evaluated: 2022-09-26. Review status: no assertion criteria provided. Collection method: clinical testing. Allele origin: germline.
Comment: This variant is classified as likely benign based on ACMG/AMP sequence variant interpretation guidelines (Richards et al. 2015 PMID: 25741868, with internal and published modifications).